The following is an entry in ClinVar:

NM_020779.4(WDR35):c.3252G>A (p.Glu1084=)

Gene: WDR35 (WD repeat domain 35; minus strand). Cytogenetic location: 2p24.1.
Variant type: single nucleotide variant.
Coding change: c.3252G>A on transcript NM_020779.4 (MANE Select); coding-DNA position 3252, G replaced by A.
Protein change: p.Glu1084=; no amino-acid change (glutamic acid 1084 retained).
Molecular consequence: synonymous variant.
Genome position (GRCh38, 1-based): chr2:19,914,147, C>T on the plus strand (G>A on the coding strand, the complement: WDR35 is on the minus strand). VCF-style: chr2-19914147-C-T. GRCh37 (hg19) VCF-style: chr2-20113908-C-T.
Other names: p.Glu1095=; c.3285G>A, p.Glu1095= (NM_001006657.2).
Identifiers: ClinVar variation 287740 (VCV000287740.20), dbSNP rs182360785, ClinGen allele CA1542711.

ClinVar aggregate classification (germline): Conflicting classifications of pathogenicity. Review status: criteria provided, conflicting classifications (1 of 4 stars). 6 submissions from 6 submitters: Uncertain significance (1); Likely benign (4). 1 of the submissions does not count toward it. Last evaluated 2026-01-25.

Conditions:
WDR35-related disorder. Also called: WDR35-related condition; WDR35-related disorders. Identifiers: MedGen CN239419.
Short-rib thoracic dysplasia 7 with or without polydactyly (SRTD7). Also called: Short rib polydactyly syndrome 5; SHORT-RIB THORACIC DYSPLASIA 7 WITH POLYDACTYLY. Identifiers: Orphanet 498497, Orphanet 93271, MedGen C3279792, MONDO:0013569, OMIM 614091.
Cranioectodermal dysplasia 2 (CED2). Identifiers: Orphanet 1515, MedGen C3150874, MONDO:0013323, OMIM 613610.

Allele frequency attached by ClinVar (database versions not stated): gnomAD exomes 0.00004 and 0.00006; ExAC 0.00007; TOPMed 0.00008; gnomAD 0.00014 and 0.00016; ESP Exome Variant Server 0.00015; 1000 Genomes Project 30x 0.00016; 1000 Genomes Project 0.00020.
gnomAD v4.1: 86 of 1,614,120 alleles (0.0053%); highest among the groups gnomAD compares: Middle Eastern, 0.082%; no homozygotes.

Submissions (6):

Labcorp Genetics (formerly Invitae), Labcorp
Classification: Likely benign for Cranioectodermal dysplasia 2; Short-rib thoracic dysplasia 7 with or without polydactyly. Last evaluated: 2026-01-25. Review status: criteria provided, single submitter. Criteria: Invitae Variant Classification Sherloc (09022015). Collection method: clinical testing. Allele origin: germline.

Mayo Clinic Laboratories, Mayo Clinic
Classification: Likely benign. Last evaluated: 2025-07-24. Review status: criteria provided, single submitter. Criteria: ACMG Guidelines, 2015. Collection method: clinical testing. Allele origin: germline. Observed: 1 variant allele.
Comment: BP4, BP7

Blueprint Genetics
Classification: Likely benign. Last evaluated: 2024-08-28. Review status: criteria provided, single submitter. Criteria: ACMG Guidelines, 2015. Collection method: clinical testing. Allele origin: germline.

ARUP Laboratories, Molecular Genetics and Genomics, ARUP Laboratories
Classification: Likely benign. Last evaluated: 2024-07-22. Review status: criteria provided, single submitter. Criteria: ARUP Molecular Germline Variant Investigation Process 2024. Collection method: clinical testing. Allele origin: germline.

Eurofins Ntd Llc (ga)
Classification: Uncertain significance. Last evaluated: 2016-05-10. Review status: criteria provided, single submitter. Criteria: EGL Classification Definitions 2015. Collection method: clinical testing. Allele origin: germline. Observed: 1 variant allele, 1 heterozygote.

PreventionGenetics, part of Exact Sciences
Classification: Likely benign for WDR35-related condition. Last evaluated: 2019-06-23. Review status: no assertion criteria provided. Collection method: clinical testing. Allele origin: germline. Not counted in ClinVar's aggregate classification.
Comment: This variant is classified as likely benign based on ACMG/AMP sequence variant interpretation guidelines (Richards et al. 2015 PMID: 25741868, with internal and published modifications).